The following is an entry in ClinVar:

NM_182920.2(ADAMTS9):c.2793T>A (p.Cys931Ter)

Gene: ADAMTS9 (ADAM metallopeptidase with thrombospondin type 1 motif 9; minus strand). Cytogenetic location: 3p14.1.
Variant type: single nucleotide variant.
Coding change: c.2793T>A on transcript NM_182920.2 (MANE Select); coding-DNA position 2793, T replaced by A.
Protein change: p.Cys931Ter; replaces cysteine 931 with a stop codon.
Molecular consequence: nonsense.
Genome position (GRCh38, 1-based): chr3:64,621,134, A>T on the plus strand (T>A on the coding strand, the complement: ADAMTS9 is on the minus strand). VCF-style: chr3-64621134-A-T. GRCh37 (hg19) VCF-style: chr3-64606810-A-T.
Other names: c.2709T>A, p.Cys903Ter (NM_001318781.2); short protein forms C903*, C931*.
Identifiers: ClinVar variation 2764903 (VCV002764903.2), dbSNP rs2106861020, ClinGen allele CA353449370.

ClinVar aggregate classification (germline): Uncertain significance (1 of 4 stars; one submission).

Submission:

Labcorp Genetics (formerly Invitae), Labcorp
Classification: Uncertain significance. Last evaluated: 2024-10-24. Review status: criteria provided, single submitter. Criteria: Invitae Variant Classification Sherloc (09022015). Collection method: clinical testing. Allele origin: germline.
Comment: This sequence change creates a premature translational stop signal (p.Cys931*) in the ADAMTS9 gene. It is expected to result in an absent or disrupted protein product. However, the current clinical and genetic evidence is not sufficient to establish whether loss-of-function variants in ADAMTS9 cause disease. This variant is not present in population databases (gnomAD no frequency). This variant has not been reported in the literature in individuals affected with ADAMTS9-related conditions. Algorithms developed to predict the effect of sequence changes on RNA splicing suggest that this variant may disrupt the consensus splice site. In summary, the available evidence is currently insufficient to determine the role of this variant in disease. Therefore, it has been classified as a Variant of Uncertain Significance.